The following is an entry in ClinVar:

NM_024642.5(GALNT12):c.129CGGGGC[3] (p.42GA[4])

Gene: GALNT12 (polypeptide N-acetylgalactosaminyltransferase 12; plus strand). Cytogenetic location: 9q22.33.
Variant type: Microsatellite.
Coding change: c.129CGGGGC[3] on transcript NM_024642.5 (MANE Select); three copies in a row of the 6-base unit CGGGGC starting at c.129; the reference has two copies in a row; one copy, 6 bases duplicated; also written c.135_140dup.
Protein change: p.42GA[4].
Molecular consequence: inframe insertion.
Genome position (GRCh38, 1-based): chr9:98,807,833-98,807,838, CGGGGC duplicated; duplicating any 6 consecutive bases within chr9:98,807,822-98,807,838 gives the same sequence; the position shown is the placement nearest the transcript's 3' end. VCF-style (leftmost placement, unchanged base first): chr9-98807821-T-TGGGGCC. GRCh37 (hg19) VCF-style: chr9-101570103-T-TGGGGCC.
Other names: c.135_140dup (NM_024642.4).
Identifiers: ClinVar variation 640636 (VCV000640636.14), dbSNP rs1194232383, ClinGen allele CA869113951.

ClinVar aggregate classification (germline): Uncertain significance. Review status: criteria provided, multiple submitters, no conflicts (2 of 4 stars). 2 submissions from 2 submitters: Uncertain significance (2). Last evaluated 2025-02-12.

Submissions (2):

Labcorp Genetics (formerly Invitae), Labcorp
Classification: Uncertain significance. Last evaluated: 2025-02-12. Review status: criteria provided, single submitter. Criteria: Invitae Variant Classification Sherloc (09022015). Collection method: clinical testing. Allele origin: germline.
Comment: This variant, c.135_140dup, results in the insertion of 2 amino acid(s) of the GALNT12 protein (p.Gly46_Ala47dup), but otherwise preserves the integrity of the reading frame. The frequency data for this variant in the population databases is considered unreliable, as metrics indicate insufficient coverage at this position in the gnomAD database. This variant has not been reported in the literature in individuals affected with GALNT12-related conditions. ClinVar contains an entry for this variant (Variation ID: 640636). Experimental studies and prediction algorithms are not available or were not evaluated, and the functional significance of this variant is currently unknown. In summary, the available evidence is currently insufficient to determine the role of this variant in disease. Therefore, it has been classified as a Variant of Uncertain Significance.

Ambry Genetics
Classification: Uncertain significance. Last evaluated: 2024-07-22. Review status: criteria provided, single submitter. Criteria: Ambry Variant Classification Scheme 2023. Collection method: clinical testing. Allele origin: germline.
Comment: The c.135_140dupCGGGGC variant (also known as p.G46_A47dup), located in coding exon 1 of the GALNT12 gene, results from an in-frame duplication of CGGGGC at nucleotide positions 135 to 140. This results in the duplication of 2 extra residues (GA) between codons 46 and 47. This amino acid region is not conserved on limited sequence alignment. In addition, this alteration is predicted to be neutral by in silico analysis (Choi Y et al. PLoS ONE. 2012; 7(10):e46688). The evidence for this gene-disease relationship is limited; therefore, the clinical significance of this alteration is unclear.